The following is an entry in ClinVar:

ClinVar aggregate classification (germline): Likely benign. Review status: criteria provided, multiple submitters, no conflicts (2 of 4 stars). 3 submissions from 3 submitters: Likely benign (3). Last evaluated 2025-12-15.

Conditions:
Ehlers-Danlos syndrome, spondylodysplastic type, 3. Also called: Ehlers-Danlos syndrome, spondylocheirodysplastic type. Identifiers: Orphanet 157965, MedGen C2676510, MONDO:0012873, OMIM 612350.

Allele frequency attached by ClinVar (database versions not stated): gnomAD exomes 0.00002 and 0.00010; gnomAD 0.00004 and 0.00005; TOPMed 0.00006; ExAC 0.00007; 1000 Genomes Project 30x 0.00016.

Submissions (3):

Labcorp Genetics (formerly Invitae), Labcorp
Classification: Likely benign for Ehlers-Danlos syndrome, spondylodysplastic type, 3. Last evaluated: 2025-12-15. Review status: criteria provided, single submitter. Criteria: Invitae Variant Classification Sherloc (09022015). Collection method: clinical testing. Allele origin: germline.

CeGaT Center for Human Genetics Tuebingen
Classification: Likely benign. Last evaluated: 2025-10-01. Review status: criteria provided, single submitter. Criteria: CeGaT Center For Human Genetics Tuebingen Variant Classification Criteria Version 2. Collection method: clinical testing. Allele origin: germline. Affected: yes. Observed: 1 variant allele.
Comment: SLC39A13: BP4, BP7

GeneDx
Classification: Likely benign. Last evaluated: 2020-03-16. Review status: criteria provided, single submitter. Criteria: GeneDx Variant Classification Process June 2021. Collection method: clinical testing. Allele origin: germline. Affected: yes.

NM_001128225.3(SLC39A13):c.651C>T (p.Ser217=)

Gene: SLC39A13 (solute carrier family 39 member 13; plus strand). Cytogenetic location: 11p11.2.
Variant type: single nucleotide variant.
Coding change: c.651C>T on transcript NM_001128225.3 (MANE Select); coding-DNA position 651, C replaced by T.
Protein change: p.Ser217=; no amino-acid change (serine 217 retained).
Molecular consequence: synonymous variant. On other transcripts: non-coding transcript variant (1).
Genome position (GRCh38, 1-based): chr11:47,413,602, C>T. VCF-style: chr11-47413602-C-T. GRCh37 (hg19) VCF-style: chr11-47435153-C-T.
Other names: c.651C>T, p.Ser217= (NM_001330245.2, NM_152264.5).
Identifiers: ClinVar variation 513006 (VCV000513006.20), dbSNP rs752707598, ClinGen allele CA5975873.